The following is an entry in ClinVar:

ClinVar aggregate classification (germline): Uncertain significance (1 of 4 stars; one submission).

Allele frequency attached by ClinVar (database versions not stated): gnomAD exomes below 0.00001; gnomAD 0.00001; TOPMed 0.00002.

Submission:

Labcorp Genetics (formerly Invitae), Labcorp
Classification: Uncertain significance. Last evaluated: 2022-06-07. Review status: criteria provided, single submitter. Criteria: Invitae Variant Classification Sherloc (09022015). Collection method: clinical testing. Allele origin: germline.
Comment: This sequence change replaces methionine, which is neutral and non-polar, with valine, which is neutral and non-polar, at codon 271 of the GATA5 protein (p.Met271Val). This variant is not present in population databases (gnomAD no frequency). This variant has not been reported in the literature in individuals affected with GATA5-related conditions. Algorithms developed to predict the effect of missense changes on protein structure and function (SIFT, PolyPhen-2, Align-GVGD) all suggest that this variant is likely to be tolerated. In summary, the available evidence is currently insufficient to determine the role of this variant in disease. Therefore, it has been classified as a Variant of Uncertain Significance.

NM_080473.5(GATA5):c.811A>G (p.Met271Val)

Gene: GATA5 (GATA binding protein 5; minus strand). Cytogenetic location: 20q13.33.
Variant type: single nucleotide variant.
Coding change: c.811A>G on transcript NM_080473.5 (MANE Select); coding-DNA position 811, A replaced by G.
Protein change: p.Met271Val; replaces methionine 271 with valine.
Molecular consequence: missense variant.
Genome position (GRCh38, 1-based): chr20:62,466,440, T>C on the plus strand (A>G on the coding strand, the complement: GATA5 is on the minus strand). VCF-style: chr20-62466440-T-C. GRCh37 (hg19) VCF-style: chr20-61041496-T-C.
Other names: short protein forms M271V.
Identifiers: ClinVar variation 2044120 (VCV002044120.4), dbSNP rs1405621213, ClinGen allele CA409553760.